The following is an entry in ClinVar:

NM_001242896.3(DEPDC5):c.602C>A (p.Ala201Asp)

Gene: DEPDC5 (DEP domain containing 5, GATOR1 subcomplex subunit; plus strand). Cytogenetic location: 22q12.2.
Variant type: single nucleotide variant.
Coding change: c.602C>A on transcript NM_001242896.3 (MANE Select); coding-DNA position 602, C replaced by A.
Protein change: p.Ala201Asp; replaces alanine 201 with aspartic acid.
Molecular consequence: missense variant. On other transcripts: non-coding transcript variant (5).
Genome position (GRCh38, 1-based): chr22:31,784,853, C>A. VCF-style: chr22-31784853-C-A. GRCh37 (hg19) VCF-style: chr22-32180839-C-A.
Other names: c.602C>A, p.Ala201Asp (NM_001007188.4, NM_001136029.4, NM_001242897.2 and 7 more transcripts); c.518C>A, p.Ala173Asp (NM_001369901.1, NM_001369902.1); short protein forms A201D, A173D.
Identifiers: ClinVar variation 570080 (VCV000570080.10), dbSNP rs1569519698, ClinGen allele CA411286245.
Genomic context (GRCh38, chr22:31,784,853, plus strand): 5'-TTTTTCATTGTTTCTTTTCAGGGGATTTGTATTTTGAGAAAGCTGTGAATGGTTTCCTTG[C>A]TGATCTATTTACCAAGTGGAAGGTACATTTCTTCTTACACACTAAGTCTCATTATGTAAA-3'
Protein context (NP_001229825.1, residues 191-211): YFEKAVNGFL[Ala201Asp]DLFTKWKEKN

ClinVar aggregate classification (germline): Uncertain significance (1 of 4 stars; one submission).

Conditions:
Familial focal epilepsy with variable foci (FPEVF). Identifiers: Orphanet 98820, MedGen C1858477, MONDO:0020310.

Allele frequency attached by ClinVar (database versions not stated): gnomAD exomes 0.00001.
gnomAD v4.1: 7 of 1,613,194 alleles (0.00043%); highest among the groups gnomAD compares: Non-Finnish European, 0.00059%; no homozygotes.

Submission:

Labcorp Genetics (formerly Invitae), Labcorp
Classification: Uncertain significance for Familial focal epilepsy with variable foci. Last evaluated: 2025-02-26. Review status: criteria provided, single submitter. Criteria: Invitae Variant Classification Sherloc (09022015). Collection method: clinical testing. Allele origin: germline.
Comment: This sequence change replaces alanine, which is neutral and non-polar, with aspartic acid, which is acidic and polar, at codon 201 of the DEPDC5 protein (p.Ala201Asp). This variant is not present in population databases (gnomAD no frequency). This variant has not been reported in the literature in individuals affected with DEPDC5-related conditions. ClinVar contains an entry for this variant (Variation ID: 570080). Experimental studies and prediction algorithms are not available or were not evaluated, and the functional significance of this variant is currently unknown. In summary, the available evidence is currently insufficient to determine the role of this variant in disease. Therefore, it has been classified as a Variant of Uncertain Significance.